The following is an entry in ClinVar:

NM_001127671.2(LIFR):c.670A>G (p.Ile224Val)

Gene: LIFR (LIF receptor subunit alpha; minus strand). Cytogenetic location: 5p13.1.
Variant type: single nucleotide variant.
Coding change: c.670A>G on transcript NM_001127671.2 (MANE Select); coding-DNA position 670, A replaced by G.
Protein change: p.Ile224Val; replaces isoleucine 224 with valine.
Molecular consequence: missense variant.
Genome position (GRCh38, 1-based): chr5:38,511,856, T>C on the plus strand (A>G on the coding strand, the complement: LIFR is on the minus strand). VCF-style: chr5-38511856-T-C. GRCh37 (hg19) VCF-style: chr5-38511958-T-C.
Other names: c.670A>G, p.Ile224Val (NM_001364297.2, NM_001364298.2, NM_002310.6); short protein forms I224V.
Identifiers: ClinVar variation 618195 (VCV000618195.23), dbSNP rs151282774, ClinGen allele CA3243141.
Genomic context (GRCh38, chr5:38,511,856, plus strand): 5'-TGTTCTTCACAGGGCTCCAGTCACTCCACTCTTCGAGACCAGAAAAATGAAGATTGTCAA[T>C]GTAGCATCTAATTTCCACAAAATGAATGGCACATTCCAAGGGCATATCTGAGGCCCAACT-3'
Protein context (NP_001121143.1, residues 214-234): AIHFVEIRCY[Ile224Val]DNLHFSGLEE

ClinVar aggregate classification (germline): Conflicting classifications of pathogenicity. Review status: criteria provided, conflicting classifications (1 of 4 stars). 4 submissions from 4 submitters: Uncertain significance (2); Likely benign (1). 1 of the submissions does not count toward it. Last evaluated 2026-01-17.

Conditions:
LIFR-related disorder. Also called: LIFR-related condition.

Allele frequency attached by ClinVar (database versions not stated): 1000 Genomes Project 30x 0.00016; 1000 Genomes Project 0.00020; ExAC 0.00023; gnomAD 0.00098 and 0.00108; ESP Exome Variant Server 0.00100; TOPMed 0.00119.
gnomAD v4.1: 253 of 1,614,140 alleles (0.016%); highest among the groups gnomAD compares: African/African-American, 0.25%; no homozygotes.

Submissions (4):

Labcorp Genetics (formerly Invitae), Labcorp
Classification: Likely benign. Last evaluated: 2026-01-17. Review status: criteria provided, single submitter. Criteria: Invitae Variant Classification Sherloc (09022015). Collection method: clinical testing. Allele origin: germline.

GeneDx
Classification: Uncertain significance. Last evaluated: 2024-03-27. Review status: criteria provided, single submitter. Criteria: GeneDx Variant Classification Process June 2021. Collection method: clinical testing. Allele origin: germline. Affected: yes.
Comment: In silico analysis supports that this missense variant does not alter protein structure/function; Has not been previously published as pathogenic or benign to our knowledge

ARUP Laboratories, Molecular Genetics and Genomics, ARUP Laboratories
Classification: Uncertain significance. Last evaluated: 2017-12-31. Review status: criteria provided, single submitter. Criteria: ARUP Molecular Germline Variant Investigation Process. Collection method: clinical testing. Allele origin: germline.
Comment: The LIFR c.670A>G; p.Ile224Val variant (rs151282774), to our knowledge, is not reported in the medical literature, gene specific variation databases, nor has it been previously identified by our laboratory. This variant is listed in the genome Aggregation Database (gnomAD) with an African population frequency of 0.3% (identified on 65 out of 24,020 chromosomes). The isoleucine in position 224 is moderately conserved, considering 12 species (Alamut software v.2.10.0) and valine is observed in this position in the dog and bushbaby genomes, indicating that this change may be evolutionarily tolerated. Computational algorithms do not agree in their assessment of an impact of this variant on the protein (SIFT: tolerated, PolyPhe-2: benign; MutationTaster: disease causing). Based on all available information, the clinical significance of the p.Ile224Val variant cannot be determined with certainty.

PreventionGenetics, part of Exact Sciences
Classification: Likely benign for LIFR-related condition. Last evaluated: 2022-08-02. Review status: no assertion criteria provided. Collection method: clinical testing. Allele origin: germline. Not counted in ClinVar's aggregate classification.
Comment: This variant is classified as likely benign based on ACMG/AMP sequence variant interpretation guidelines (Richards et al. 2015 PMID: 25741868, with internal and published modifications).